The following is an entry in ClinVar:

ClinVar aggregate classification (germline): Pathogenic/Likely pathogenic. Review status: criteria provided, multiple submitters, no conflicts (2 of 4 stars). 2 submissions from 2 submitters: Pathogenic (1); Likely pathogenic (1). Last evaluated 2025-06-25.

Conditions:
Hereditary cancer-predisposing syndrome. Also called: Neoplastic Syndromes, Hereditary; Tumor predisposition; Hereditary neoplastic syndrome; Hereditary Cancer Syndrome. Identifiers: Orphanet 140162, MedGen C0027672, MeSH D009386, MONDO:0015356.
Hereditary breast ovarian cancer syndrome. Also called: Hereditary breast and ovarian cancer syndrome; Hereditary breast and ovarian cancer; Hereditary breast and ovarian cancer syndrome (HBOC); Breast and ovarian cancer; Hereditary breast and/or ovarian cancer syndrome; BRCA1- and BRCA2-Associated Hereditary Breast and Ovarian Cancer. Identifiers: Orphanet 145, MedGen C0677776, MeSH D061325, MONDO:0003582. Disease mechanism: loss of function.

Submissions (2):

GeneKor MSA
Classification: Likely pathogenic for Hereditary breast ovarian cancer syndrome. Last evaluated: 2025-06-25. Review status: criteria provided, single submitter. Criteria: ACMG Guidelines, 2015. Collection method: clinical testing. Allele origin: germline.
Comment: This is a 3-nucleotide substitution by an adenine (A) in exon 11 of the BRCA2 mRNA c.(3845_3847delinsA) causing a frameshift after codon 1282 and the creation of a premature translation stop signal 3 amino acid residues later - p.(Thr1282Asnfs*3). This is expected to result in an absent or disrupted protein product. Truncating variants in BRCA2 are known to be pathogenic (PMID:20104584). This variant is not present in population databases (rs1593900672). The mutation database ClinVar contains an entry for this variant (VCV000824289.4). Based on the classification criteria set by the ACMG and AMP (PMID:25741868) this variant has been classified as likely pathogenic.

Ambry Genetics
Classification: Pathogenic for Hereditary cancer-predisposing syndrome. Last evaluated: 2018-07-31. Review status: criteria provided, single submitter. Criteria: Ambry Variant Classification Scheme 2023. Collection method: clinical testing. Allele origin: germline.
Comment: The c.3845_3847delCTGinsA pathogenic mutation, located in coding exon 10 of the BRCA2 gene, results from the deletion of 3 nucleotides and insertion of one nucleotide causing a translational frameshift with a predicted alternate stop codon (p.T1282Nfs*3). This alteration is expected to result in loss of function by premature protein truncation or nonsense-mediated mRNA decay. As such, this alteration is interpreted as a disease-causing mutation.

Literature cited by the submitters: PubMed 20104584 (cited by GeneKor MSA).

NM_000059.4(BRCA2):c.3845_3847delinsA (p.Thr1282fs)

Gene: BRCA2 (BRCA2 DNA repair associated; plus strand). Cytogenetic location: 13q13.1.
Variant type: Indel.
Coding change: c.3845_3847delinsA on transcript NM_000059.4 (MANE Select); coding-DNA positions 3845 to 3847, CTG replaced by A.
Protein change: p.Thr1282fs; shifts the reading frame from threonine 1282.
Molecular consequence: frameshift variant.
Genome position (GRCh38, 1-based): chr13:32,338,200-32,338,202, CTG replaced by A. VCF-style: chr13-32338200-CTG-A. GRCh37 (hg19) VCF-style: chr13-32912337-CTG-A.
Other names: short protein forms T1282fs.
Identifiers: ClinVar variation 824289 (VCV000824289.5), dbSNP rs1593900672, ClinGen allele CA915948457.
Genomic context (GRCh38, chr13:32,338,200, plus strand): 5'-CAAGTAAATGTCATGATTCTGTTGTTTCAATGTTTAAGATAGAAAATCATAATGATAAAA[CTG>A]TAAGTGAAAAAAATAATAAATGCCAACTGATATTACAAAATAATATTGAAATGACTACTG-3'